The following is an entry in ClinVar:

ClinVar aggregate classification (germline): Pathogenic (1 of 4 stars; one submission).

Conditions:
Peroxisome biogenesis disorder. Identifiers: Orphanet 79189, MedGen C1832200, MONDO:0019234. Disease mechanism: loss of function.

Submission:

Labcorp Genetics (formerly Invitae), Labcorp
Classification: Pathogenic for Peroxisome biogenesis disorder. Last evaluated: 2023-07-16. Review status: criteria provided, single submitter. Criteria: Invitae Variant Classification Sherloc (09022015). Collection method: clinical testing. Allele origin: germline.
Comment: For these reasons, this variant has been classified as Pathogenic. This variant has not been reported in the literature in individuals affected with PEX6-related conditions. This variant is not present in population databases (gnomAD no frequency). This sequence change creates a premature translational stop signal (p.Tyr636*) in the PEX6 gene. It is expected to result in an absent or disrupted protein product. Loss-of-function variants in PEX6 are known to be pathogenic (PMID: 8670792, 19877282, 21031596).

Literature cited by the submitters: PubMed 8670792; PubMed 19877282; PubMed 21031596.

NM_000287.4(PEX6):c.1908T>A (p.Tyr636Ter)

Gene: PEX6 (peroxisomal biogenesis factor 6; minus strand). Cytogenetic location: 6p21.1.
Variant type: single nucleotide variant.
Coding change: c.1908T>A on transcript NM_000287.4 (MANE Select); coding-DNA position 1908, T replaced by A.
Protein change: p.Tyr636Ter; replaces tyrosine 636 with a stop codon.
Molecular consequence: nonsense. On other transcripts: non-coding transcript variant (1).
Genome position (GRCh38, 1-based): chr6:42,966,835, A>T on the plus strand (T>A on the coding strand, the complement: PEX6 is on the minus strand). VCF-style: chr6-42966835-A-T. GRCh37 (hg19) VCF-style: chr6-42934573-A-T.
Other names: c.1644T>A, p.Tyr548Ter (NM_001316313.2); short protein forms Y548*, Y636*.
Identifiers: ClinVar variation 2743694 (VCV002743694.3), dbSNP rs2481212042, ClinGen allele CA364153214.